The following is an entry in ClinVar:

ClinVar aggregate classification (germline): Conflicting classifications of pathogenicity. Review status: criteria provided, conflicting classifications (1 of 4 stars). 4 submissions from 4 submitters: Uncertain significance (1); Likely benign (3). Last evaluated 2025-08-17.

Conditions:
Familial thoracic aortic aneurysm and aortic dissection (TAAD). Also called: Thoracic aortic aneurysms and dissections. Identifiers: Orphanet 91387, MedGen C4707243, MONDO:0019625.
Aortic aneurysm, familial thoracic 4 (AAT4). Also called: AORTIC ANEURYSM/AORTIC DISSECTION AND PATENT DUCTUS ARTERIOSUS. Identifiers: MedGen C1851504, MONDO:0007568, OMIM 132900.

Allele frequency attached by ClinVar (database versions not stated): gnomAD exomes below 0.00001 and 0.00001; gnomAD 0.00001; ExAC 0.00002.
gnomAD v4.1: 9 of 1,613,986 alleles (0.00056%); highest among the groups gnomAD compares: Admixed American, 0.005%; no homozygotes.

Submissions (4):

Color Diagnostics, LLC DBA Color Health
Classification: Likely benign for Familial thoracic aortic aneurysm and aortic dissection. Last evaluated: 2025-08-17. Review status: criteria provided, single submitter. Criteria: ACMG Guidelines, 2015. Collection method: clinical testing. Allele origin: germline.

Ambry Genetics
Classification: Likely benign for Familial thoracic aortic aneurysm and aortic dissection. Last evaluated: 2023-11-02. Review status: criteria provided, single submitter. Criteria: Ambry Variant Classification Scheme 2023. Collection method: clinical testing. Allele origin: germline.

All of Us Research Program, National Institutes of Health
Classification: Uncertain significance for Familial thoracic aortic aneurysm and aortic dissection. Last evaluated: 2023-10-02. Review status: criteria provided, single submitter. Criteria: ACMG Guidelines, 2015. Collection method: clinical testing. Allele origin: germline. Inheritance: Autosomal dominant inheritance. Observed: 1 variant allele, 1 heterozygote.
Comment: This variant is located in the MYH11 protein. To our knowledge, functional studies have not been reported for this variant. This variant has not been reported in individuals affected with MYH11-related disorders in the literature. This variant has been identified in 3/251134 chromosomes in the general population by the Genome Aggregation Database (gnomAD). The available evidence is insufficient to determine the role of this variant in disease conclusively. Therefore, this variant is classified as a Variant of Uncertain Significance.

This study involves interpretation of variants in research participants for the purpose of population health screening. Participant phenotype was not available at the time of variant classification. Additional details can be found in publication PMID: 35346344, PMCID: PMC8962531

Labcorp Genetics (formerly Invitae), Labcorp
Classification: Likely benign for Aortic aneurysm, familial thoracic 4. Last evaluated: 2023-02-11. Review status: criteria provided, single submitter. Criteria: Invitae Variant Classification Sherloc (09022015). Collection method: clinical testing. Allele origin: germline.

NM_002474.3(MYH11):c.3999C>T (p.Asn1333=)

Genes: MYH11 (myosin heavy chain 11; minus strand), NDE1 (nudE neurodevelopment protein 1; plus strand). Cytogenetic location: 16p13.11.
Variant type: single nucleotide variant.
Coding change: c.3999C>T on transcript NM_002474.3 (MANE Select); coding-DNA position 3999, C replaced by T.
Protein change: p.Asn1333=; no amino-acid change (asparagine 1333 retained).
Molecular consequence: synonymous variant. On other transcripts: 3 prime UTR variant (2).
Genome position (GRCh38, 1-based): chr16:15,724,764, G>A on the plus strand (C>T on the coding strand, the complement: MYH11 is on the minus strand). VCF-style: chr16-15724764-G-A. GRCh37 (hg19) VCF-style: chr16-15818621-G-A.
Other names: c.4020C>T, p.Asn1340= (NM_001040113.2, NM_001040114.2); c.3999C>T, p.Asn1333= (NM_022844.3); c.*513G>A (NM_001143979.2, NM_017668.3).
Identifiers: ClinVar variation 534165 (VCV000534165.13), dbSNP rs768465413, ClinGen allele CA7921813.
Genomic context (GRCh38, chr16:15,724,764, plus strand): 5'-GTCCAGCTGGTCTTGCAGGCTGTTCCGCTCCTCCTCCAGCTGGCGCAGCTTCGTAGACAC[G>A]TTGAGCTTCTGCCGGGTTTCTTCTTGAAGCAGCTCCTGCAAAAGGGATGCAAAGAGGTCC-3'
Protein context (NP_002465.1, residues 1323-1343): LLQEETRQKL[Asn1333=]VSTKLRQLEE